The following is an entry in ClinVar:

ClinVar aggregate classification (germline): Uncertain significance. Review status: criteria provided, multiple submitters, no conflicts (2 of 4 stars). 3 submissions from 3 submitters: Uncertain significance (3). Last evaluated 2021-03-19.

Conditions:
Dilated cardiomyopathy 1G (CMD1G). Identifiers: Orphanet 154, MedGen C1858763, MONDO:0011400, OMIM 604145.
Autosomal recessive limb-girdle muscular dystrophy type 2J (LGMDR10). Also called: MUSCULAR DYSTROPHY, LIMB-GIRDLE, AUTOSOMAL RECESSIVE 10; Limb-girdle muscular dystrophy, type 2J. Identifiers: Orphanet 140922, MedGen C1837342, MONDO:0012127, OMIM 608807.

Submissions (3):

Labcorp Genetics (formerly Invitae), Labcorp
Classification: Uncertain significance for Dilated cardiomyopathy 1G; Autosomal recessive limb-girdle muscular dystrophy type 2J. Last evaluated: 2021-03-19. Review status: criteria provided, single submitter. Criteria: Invitae Variant Classification Sherloc (09022015). Collection method: clinical testing. Allele origin: germline.
Comment: This variant is not present in population databases (ExAC no frequency). In summary, the available evidence is currently insufficient to determine the role of this variant in disease. Therefore, it has been classified as a Variant of Uncertain Significance. Aberrant splicing can lead to protein truncation or the loss of protein expression. Truncations in this region of the TTN gene, known as the I-band, have been reported to be highly prevalent in the general population and unaffected individuals (PMID: 26701604, 22335739, 25589632). However, they have also been reported in individuals affected with autosomal recessive centronuclear myopathy (PMID: 23975875). Nucleotide substitutions within the consensus splice site are a relatively common cause of aberrant splicing (PMID: 17576681, 9536098). Algorithms developed to predict the effect of sequence changes on RNA splicing suggest that this variant may disrupt the consensus splice site, but this prediction has not been confirmed by published transcriptional studies. This variant has not been reported in the literature in individuals with TTN-related disease. This sequence change falls in intron 71 of the TTN gene. It does not directly change the encoded amino acid sequence of the TTN protein, but it affects a nucleotide within the consensus splice site of the intron.

GeneDx
Classification: Uncertain significance. Last evaluated: 2017-02-22. Review status: criteria provided, single submitter. Criteria: GeneDx Variant Classification (06012015). Collection method: clinical testing. Allele origin: germline. Affected: yes.
Comment: The c.17104+5G>A variant in the TTN gene has not been reported previously as a pathogenic variantnor as a benign variant, to our knowledge. This variant reduces the quality of the splice donor site inintron 68. However, in the absence of RNA/functional studies, the actual effect of this sequencechange in this individual is unknown. The c.17104+5G>A variant is not observed in large populationcohorts (Lek et al., 2016; 1000 Genomes Consortium et al., 2015; Exome Variant Server). Weinterpret c.17104+5G>A as a variant of uncertain significance.

Eurofins Ntd Llc (ga)
Classification: Uncertain significance. Last evaluated: 2016-11-29. Review status: criteria provided, single submitter. Criteria: EGL Classification Definitions 2015. Collection method: clinical testing. Allele origin: germline. Observed: 2 variant alleles, 1 heterozygote, 1 homozygote.

Literature cited by the submitters: PubMed 26701604 (cited by Labcorp Genetics (formerly Invitae), Labcorp); PubMed 22335739 (cited by Labcorp Genetics (formerly Invitae), Labcorp); PubMed 25589632 (cited by Labcorp Genetics (formerly Invitae), Labcorp); PubMed 23975875 (cited by Labcorp Genetics (formerly Invitae), Labcorp); PubMed 17576681 (cited by Labcorp Genetics (formerly Invitae), Labcorp); PubMed 9536098 (cited by Labcorp Genetics (formerly Invitae), Labcorp).

NC_000002.12:g.178725363C>T

Gene: TTN (titin; minus strand). Cytogenetic location: 2q31.2.
Variant type: single nucleotide variant.
Molecular consequence: intron variant (on NM_001267550.2).
Genome position: GRCh38 VCF-style: chr2-178725363-C-T. GRCh37 (hg19) VCF-style: chr2-179590090-C-T.
Other names: c.19885+5G>A (NM_001256850.1); c.13282+12719G>A (NM_003319.4); c.13858+12719G>A (NM_133437.4); c.13657+12719G>A (NM_133432.3); c.17104+5G>A (NM_133378.4); c.20836+5G>A (NM_001267550.2).
Identifiers: ClinVar variation 423785 (VCV000423785.15), dbSNP rs1064796629, ClinGen allele CA16617379.